The following is an entry in ClinVar:

NM_022114.4(PRDM16):c.3212C>A (p.Ser1071Tyr)

Gene: PRDM16 (PR/SET domain 16; plus strand). Cytogenetic location: 1p36.32.
Variant type: single nucleotide variant.
Coding change: c.3212C>A on transcript NM_022114.4 (MANE Select); coding-DNA position 3212, C replaced by A.
Protein change: p.Ser1071Tyr; replaces serine 1071 with tyrosine.
Molecular consequence: missense variant.
Genome position (GRCh38, 1-based): chr1:3,426,153, C>A. VCF-style: chr1-3426153-C-A. GRCh37 (hg19) VCF-style: chr1-3342717-C-A.
Other names: c.3212C>A, p.Ser1071Tyr (NM_199454.3); short protein forms S1071Y.
Identifiers: ClinVar variation 1474939 (VCV001474939.6), dbSNP rs751178142, ClinGen allele CA338002797.

ClinVar aggregate classification (germline): Uncertain significance (1 of 4 stars; one submission).

Conditions:
Left ventricular noncompaction 8 (LVNC8). Identifiers: Orphanet 154, Orphanet 54260, MedGen C3809288, MONDO:0014152, OMIM 615373.

Submission:

Labcorp Genetics (formerly Invitae), Labcorp
Classification: Uncertain significance for Left ventricular noncompaction 8. Last evaluated: 2024-07-08. Review status: criteria provided, single submitter. Criteria: Invitae Variant Classification Sherloc (09022015). Collection method: clinical testing. Allele origin: germline.
Comment: This sequence change replaces serine, which is neutral and polar, with tyrosine, which is neutral and polar, at codon 1071 of the PRDM16 protein (p.Ser1071Tyr). This variant is not present in population databases (gnomAD no frequency). This variant has not been reported in the literature in individuals affected with PRDM16-related conditions. ClinVar contains an entry for this variant (Variation ID: 1474939). An algorithm developed to predict the effect of missense changes on protein structure and function (PolyPhen-2) suggests that this variant is likely to be disruptive. In summary, the available evidence is currently insufficient to determine the role of this variant in disease. Therefore, it has been classified as a Variant of Uncertain Significance.